The following is an entry in ClinVar:

NM_000722.4(CACNA2D1):c.915del (p.Gln305fs)

Gene: CACNA2D1 (calcium voltage-gated channel auxiliary subunit alpha2delta 1; minus strand). Cytogenetic location: 7q21.11.
Variant type: Deletion.
Coding change: c.915del on transcript NM_000722.4 (MANE Select); coding-DNA position 915, one base deleted (G; older notation c.915delG).
Protein change: p.Gln305fs; shifts the reading frame from glutamine 305.
Molecular consequence: frameshift variant.
Genome position (GRCh38, 1-based): chr7:82,038,200, C deleted on the plus strand (G on the coding strand, the reverse complement: CACNA2D1 is on the minus strand). VCF-style (leftmost placement, unchanged base first): chr7-82038199-GC-G. GRCh37 (hg19) VCF-style: chr7-81667515-GC-G.
Other names: c.915del, p.Gln305fs (NM_001366867.1); short protein forms Q305fs.
Identifiers: ClinVar variation 4723733 (VCV004723733.1).

ClinVar aggregate classification (germline): Uncertain significance (1 of 4 stars; one submission).

Conditions:
Brugada syndrome. Also called: Sudden unexpected nocturnal death syndrome; Sudden unexplained nocturnal death syndrome; Sudden Unexplained Death Syndrome; Sudden Unexplained Nocturnal Death Syndrome (SUNDS). Identifiers: Orphanet 130, MedGen C1142166, MONDO:0015263.

Submission:

Labcorp Genetics (formerly Invitae), Labcorp
Classification: Uncertain significance for Brugada syndrome. Last evaluated: 2025-10-06. Review status: criteria provided, single submitter. Criteria: Invitae Variant Classification Sherloc (09022015). Collection method: clinical testing. Allele origin: germline.
Comment: This sequence change creates a premature translational stop signal (p.Gln305Hisfs*8) in the CACNA2D1 gene. It is expected to result in an absent or disrupted protein product. However, the current clinical and genetic evidence is not sufficient to establish whether loss-of-function variants in CACNA2D1 cause disease. This variant is not present in population databases (gnomAD no frequency). This variant has not been reported in the literature in individuals affected with CACNA2D1-related conditions. In summary, the available evidence is currently insufficient to determine the role of this variant in disease. Therefore, it has been classified as a Variant of Uncertain Significance.